The following is an entry in ClinVar:

ClinVar aggregate classification (germline): Uncertain significance (1 of 4 stars; one submission).

gnomAD v4.1: 10 of 1,614,156 alleles (0.00062%); highest among the groups gnomAD compares: Non-Finnish European, 0.00085%; no homozygotes.

Submission:

Labcorp Genetics (formerly Invitae), Labcorp
Classification: Uncertain significance. Last evaluated: 2022-05-10. Review status: criteria provided, single submitter. Criteria: Invitae Variant Classification Sherloc (09022015). Collection method: clinical testing. Allele origin: germline.
Comment: This variant is not present in population databases (gnomAD no frequency). In summary, the available evidence is currently insufficient to determine the role of this variant in disease. Therefore, it has been classified as a Variant of Uncertain Significance. Algorithms developed to predict the effect of missense changes on protein structure and function are either unavailable or do not agree on the potential impact of this missense change (SIFT: "Deleterious"; PolyPhen-2: "Probably Damaging"; Align-GVGD: "Class C15"). This variant has not been reported in the literature in individuals affected with MYH9-related conditions. This sequence change replaces aspartic acid, which is acidic and polar, with asparagine, which is neutral and polar, at codon 539 of the MYH9 protein (p.Asp539Asn).

NM_002473.6(MYH9):c.1615G>A (p.Asp539Asn)

Gene: MYH9 (myosin heavy chain 9; minus strand). Cytogenetic location: 22q12.3.
Variant type: single nucleotide variant.
Coding change: c.1615G>A on transcript NM_002473.6 (MANE Select); coding-DNA position 1615, G replaced by A.
Protein change: p.Asp539Asn; replaces aspartic acid 539 with asparagine.
Molecular consequence: missense variant.
Genome position (GRCh38, 1-based): chr22:36,312,162, C>T on the plus strand (G>A on the coding strand, the complement: MYH9 is on the minus strand). VCF-style: chr22-36312162-C-T. GRCh37 (hg19) VCF-style: chr22-36708207-C-T.
Other names: short protein forms D539N.
Identifiers: ClinVar variation 2163122 (VCV002163122.4), dbSNP rs888907032, ClinGen allele CA411400373.